The following is an entry in ClinVar:

ClinVar aggregate classification (germline): Conflicting classifications of pathogenicity. Review status: criteria provided, conflicting classifications (1 of 4 stars). 2 submissions from 2 submitters: Uncertain significance (1); Likely benign (1). Last evaluated 2025-05-19.

Conditions:
Inborn genetic diseases. Identifiers: MedGen C0950123, MeSH D030342.

gnomAD v4.1: 199 of 1,610,732 alleles (0.012%); highest among the groups gnomAD compares: South Asian, 0.21%; no homozygotes.

Submissions (2):

Ambry Genetics
Classification: Uncertain significance for Inborn genetic diseases. Last evaluated: 2025-05-19. Review status: criteria provided, single submitter. Criteria: Ambry Variant Classification Scheme 2023. Collection method: clinical testing. Allele origin: germline.

Molecular Diagnostic Laboratory for Inherited Cardiovascular Disease, Montreal Heart Institute
Classification: Likely benign. Last evaluated: 2025-04-09. Review status: criteria provided, single submitter. Criteria: ACMG Guidelines, 2015. Collection method: clinical testing. Allele origin: germline. Affected: no.
Comment: BS1, BP5

NM_001281740.3(FHOD3):c.1139C>T (p.Pro380Leu)

Gene: FHOD3 (formin homology 2 domain containing 3; plus strand). Cytogenetic location: 18q12.2.
Variant type: single nucleotide variant.
Coding change: c.1139C>T on transcript NM_001281740.3 (MANE Select); coding-DNA position 1139, C replaced by T.
Protein change: p.Pro380Leu; replaces proline 380 with leucine.
Molecular consequence: missense variant.
Genome position (GRCh38, 1-based): chr18:36,625,692, C>T. VCF-style: chr18-36625692-C-T. GRCh37 (hg19) VCF-style: chr18-34205655-C-T.
Other names: c.1139C>T, p.Pro380Leu (NM_001281739.3, NM_025135.5); c.1139C>T (NM_025135.2); short protein forms P380L.
Identifiers: ClinVar variation 3895413 (VCV003895413.2), dbSNP rs546991789.